The following is an entry in ClinVar:

ClinVar aggregate classification (germline): Uncertain significance. Review status: criteria provided, multiple submitters, no conflicts (2 of 4 stars). 2 submissions from 2 submitters: Uncertain significance (2). Last evaluated 2024-03-21.

Conditions:
Cardiomyopathy (CMYO). Also called: Cardiomyopathies. Identifiers: Orphanet 167848, MedGen C0878544, MONDO:0004994, HP:0001638. Inheritance: Various modes of inheritance.
Hypertrophic cardiomyopathy. Also called: HYPERTROPHIC MYOCARDIOPATHY. Identifiers: Orphanet 217569, MedGen C0007194, MeSH D002312, MONDO:0005045, HP:0001639.

Submissions (2):

All of Us Research Program, National Institutes of Health
Classification: Uncertain significance for Hypertrophic cardiomyopathy. Last evaluated: 2024-03-21. Review status: criteria provided, single submitter. Criteria: ACMG Guidelines, 2015. Collection method: clinical testing. Allele origin: germline. Inheritance: Autosomal dominant inheritance. Observed: 2 variant alleles, 2 heterozygotes.
Comment: This missense variant replaces isoleucine with leucine at codon 403 of the MYBPC3 protein. Computational prediction suggests that this variant may not impact protein structure and function (internally defined REVEL score threshold <= 0.5, PMID: 27666373). To our knowledge, functional studies have not been reported for this variant. This variant has not been reported in individuals affected with MYBPC3-related disorders in the literature. This variant has not been identified in the general population by the Genome Aggregation Database (gnomAD). The available evidence is insufficient to determine the role of this variant in disease conclusively. Therefore, this variant is classified as a Variant of Uncertain Significance.

This study involves interpretation of variants in research participants for the purpose of population health screening. Participant phenotype was not available at the time of variant classification. Additional details can be found in publication PMID: 35346344, PMCID: PMC8962531

Color Diagnostics, LLC DBA Color Health
Classification: Uncertain significance for Cardiomyopathy. Last evaluated: 2023-05-31. Review status: criteria provided, single submitter. Criteria: ACMG Guidelines, 2015. Collection method: clinical testing. Allele origin: germline.
Comment: This missense variant replaces isoleucine with leucine at codon 403 of the MYBPC3 protein. Computational prediction suggests that this variant may not impact protein structure and function (internally defined REVEL score threshold <= 0.5, PMID: 27666373). To our knowledge, functional studies have not been reported for this variant. This variant has not been reported in individuals affected with MYBPC3-related disorders in the literature. This variant has not been identified in the general population by the Genome Aggregation Database (gnomAD). The available evidence is insufficient to determine the role of this variant in disease conclusively. Therefore, this variant is classified as a Variant of Uncertain Significance.

NM_000256.3(MYBPC3):c.1207A>C (p.Ile403Leu)

Gene: MYBPC3 (myosin binding protein C3; minus strand). Cytogenetic location: 11p11.2.
Variant type: single nucleotide variant.
Coding change: c.1207A>C on transcript NM_000256.3 (MANE Select); coding-DNA position 1207, A replaced by C.
Protein change: p.Ile403Leu; replaces isoleucine 403 with leucine.
Molecular consequence: missense variant.
Genome position (GRCh38, 1-based): chr11:47,343,508, T>G on the plus strand (A>C on the coding strand, the complement: MYBPC3 is on the minus strand). VCF-style: chr11-47343508-T-G. GRCh37 (hg19) VCF-style: chr11-47365059-T-G.
Other names: short protein forms I403L.
Identifiers: ClinVar variation 3071768 (VCV003071768.3), dbSNP rs2495765482, ClinGen allele CA380328519.